The following is an entry in ClinVar:

ClinVar aggregate classification (germline): Uncertain significance (1 of 4 stars; one submission).

Allele frequency attached by ClinVar (database versions not stated): ExAC 0.00001.
gnomAD v4.1: 8 of 1,613,932 alleles (0.0005%); highest among the groups gnomAD compares: Admixed American, 0.0017%; no homozygotes.

Submission:

GeneDx
Classification: Uncertain significance. Last evaluated: 2022-05-12. Review status: criteria provided, single submitter. Criteria: GeneDx Variant Classification Process June 2021. Collection method: clinical testing. Allele origin: germline. Affected: yes.
Comment: In silico analysis supports that this missense variant has a deleterious effect on protein structure/function; Has not been previously published as pathogenic or benign to our knowledge

NM_207361.6(FREM2):c.8201G>A (p.Arg2734His)

Gene: FREM2 (FRAS1 related extracellular matrix 2; plus strand). Cytogenetic location: 13q13.3.
Variant type: single nucleotide variant.
Coding change: c.8201G>A on transcript NM_207361.6 (MANE Select); coding-DNA position 8201, G replaced by A.
Protein change: p.Arg2734His; replaces arginine 2734 with histidine.
Molecular consequence: missense variant.
Genome position (GRCh38, 1-based): chr13:38,874,506, G>A. VCF-style: chr13-38874506-G-A. GRCh37 (hg19) VCF-style: chr13-39448643-G-A.
Other names: short protein forms R2734H.
Identifiers: ClinVar variation 1723519 (VCV001723519.2), dbSNP rs778134271, ClinGen allele CA6956077.